The following is an entry in ClinVar:

ClinVar aggregate classification (germline): Uncertain significance. Review status: criteria provided, multiple submitters, no conflicts (2 of 4 stars). 2 submissions from 2 submitters: Uncertain significance (2). Last evaluated 2025-05-26.

Conditions:
Inborn genetic diseases. Identifiers: MedGen C0950123, MeSH D030342.

Allele frequency attached by ClinVar (database versions not stated): ExAC 0.00001; gnomAD exomes 0.00001; TOPMed 0.00002.
gnomAD v4.1: 7 of 1,610,906 alleles (0.00043%); highest among the groups gnomAD compares: Admixed American, 0.0084%; no homozygotes.

Submissions (2):

Ambry Genetics
Classification: Uncertain significance for Inborn genetic diseases. Last evaluated: 2025-05-26. Review status: criteria provided, single submitter. Criteria: Ambry Variant Classification Scheme 2023. Collection method: clinical testing. Allele origin: germline.

GeneDx
Classification: Uncertain significance. Last evaluated: 2023-03-09. Review status: criteria provided, single submitter. Criteria: GeneDx Variant Classification Process June 2021. Collection method: clinical testing. Allele origin: germline. Affected: yes.
Comment: In silico analysis supports that this missense variant does not alter protein structure/function; Has not been previously published as pathogenic or benign to our knowledge

NM_006346.4(PIBF1):c.2176C>T (p.Pro726Ser)

Gene: PIBF1 (progesterone immunomodulatory binding factor 1; plus strand). Cytogenetic location: 13q22.1.
Variant type: single nucleotide variant.
Coding change: c.2176C>T on transcript NM_006346.4 (MANE Select); coding-DNA position 2176, C replaced by T.
Protein change: p.Pro726Ser; replaces proline 726 with serine.
Molecular consequence: missense variant. On other transcripts: non-coding transcript variant (2).
Genome position (GRCh38, 1-based): chr13:72,998,948, C>T. VCF-style: chr13-72998948-C-T. GRCh37 (hg19) VCF-style: chr13-73573086-C-T.
Other names: c.2263C>T, p.Pro755Ser (NM_001349655.2); short protein forms P726S, P755S.
Identifiers: ClinVar variation 2579375 (VCV002579375.2), dbSNP rs774251226, ClinGen allele CA7002550.